The following is an entry in ClinVar:

NM_001048174.2(MUTYH):c.1327C>A (p.Pro443Thr)

Gene: MUTYH (mutY DNA glycosylase; minus strand). Cytogenetic location: 1p34.1.
Variant type: single nucleotide variant.
Coding change: c.1327C>A on transcript NM_001048174.2 (MANE Select); coding-DNA position 1327, C replaced by A.
Protein change: p.Pro443Thr; replaces proline 443 with threonine.
Molecular consequence: missense variant. On other transcripts: non-coding transcript variant (2).
Genome position (GRCh38, 1-based): chr1:45,331,247, G>T on the plus strand (C>A on the coding strand, the complement: MUTYH is on the minus strand). VCF-style: chr1-45331247-G-T. GRCh37 (hg19) VCF-style: chr1-45796919-G-T.
Other names: c.1327C>A, p.Pro443Thr (NM_001048171.2, NM_001048173.2, NM_001293195.2); c.1330C>A, p.Pro444Thr (NM_001048172.2); c.1411C>A, p.Pro471Thr (NM_001128425.2); c.1372C>A, p.Pro458Thr (NM_001293190.2); c.1360C>A, p.Pro454Thr (NM_001293191.2); c.1051C>A, p.Pro351Thr (NM_001293192.2, NM_001293196.2); c.982C>A, p.Pro328Thr (NM_001350650.2, NM_001350651.2); c.1402C>A, p.Pro468Thr (NM_012222.3); short protein forms P471T, P351T, P458T, P443T, P454T, P444T, P328T, P468T.
Identifiers: ClinVar variation 219673 (VCV000219673.8), dbSNP rs864622204, ClinGen allele CA350097.
Genomic context (GRCh38, chr1:45,331,247, plus strand): 5'-TCATGGCGGTGGAAACAGCTGCGGTGTGAAATTCCTCCTGCGTCAGCCAGCGAGCACCTG[G>T]TGGTACGGTGGTCACTGGGGTCTGCCCTTCCAAGGCCAGCCCATATACTTGATATGTCAG-3'
Protein context (NP_001041639.1, residues 433-453): EGQTPVTTVP[Pro443Thr]GARWLTQEEF

ClinVar aggregate classification (germline): Uncertain significance. Review status: criteria provided, multiple submitters, no conflicts (2 of 4 stars). 2 submissions from 2 submitters: Uncertain significance (2). Last evaluated 2025-08-27.

Conditions:
Hereditary cancer-predisposing syndrome. Also called: Tumor predisposition; Hereditary Cancer Syndrome; Neoplastic Syndromes, Hereditary; Hereditary neoplastic syndrome. Identifiers: Orphanet 140162, MedGen C0027672, MeSH D009386, MONDO:0015356.
Familial adenomatous polyposis 2. Also called: MYH-associated polyposis; FAP type 2; ADENOMAS, MULTIPLE COLORECTAL, AUTOSOMAL RECESSIVE; MUTYH Polyposis; MUTYH-associated polyposis; MUTYH-related attenuated familial adenomatous polyposis. Identifiers: Orphanet 220460, Orphanet 247798, MedGen C3272841, MONDO:0012041, OMIM 608456.

Submissions (2):

Ambry Genetics
Classification: Uncertain significance for Hereditary cancer-predisposing syndrome. Last evaluated: 2025-08-27. Review status: criteria provided, single submitter. Criteria: Ambry Variant Classification Scheme 2023. Collection method: clinical testing. Allele origin: germline.
Comment: The p.P471T variant (also known as c.1411C>A), located in coding exon 14 of the MUTYH gene, results from a C to A substitution at nucleotide position 1411. The proline at codon 471 is replaced by threonine, an amino acid with highly similar properties. This amino acid position is conserved. In addition, the in silico prediction for this alteration is inconclusive. Based on the available evidence, the clinical significance of this variant remains unclear.

Labcorp Genetics (formerly Invitae), Labcorp
Classification: Uncertain significance for Familial adenomatous polyposis 2. Last evaluated: 2015-07-30. Review status: criteria provided, single submitter. Criteria: Invitae Variant Classification Sherloc (09022015). Collection method: clinical testing. Allele origin: germline.
Comment: In summary, this is a novel missense change that is not predicted to affect protein function or cause disease. However the evidence is insufficient at this time to prove that conclusively. It has been classified as a Variant of Uncertain Significance. This variant is not present in population databases and has not been published in the literature. This sequence change replaces proline with threonine at codon 471 of the MUTYH protein (p.Pro471Thr). The proline residue is moderately conserved and there is a small physicochemical difference between proline and threonine. Algorithms developed to predict the effect of missense changes on protein structure and function (SIFT, PolyPhen-2, Align-GVGD) all suggest that this variant is likely to be tolerated, but these predictions have not been confirmed by published functional studies.